The following is an entry in ClinVar:

ClinVar aggregate classification (germline): Uncertain significance. Review status: criteria provided, multiple submitters, no conflicts (2 of 4 stars). 3 submissions from 3 submitters: Uncertain significance (3). Last evaluated 2024-06-13.

Conditions:
Singleton-Merten syndrome 1 (SGMRT1). Also called: Widened medullary cavities of bone, aortic calcification, abnormal dentition, and muscular weakness; Syndrome of widened medullary cavities of the metacarpals and phalanges, aortic calcification and abnormal dentition. Identifiers: Orphanet 85191, MedGen C4225427, MONDO:0024535, OMIM 182250.
Aicardi-Goutieres syndrome 7 (AGS7). Identifiers: Orphanet 51, MedGen C3888244, MONDO:0014367, OMIM 615846.

Allele frequency attached by ClinVar (database versions not stated): gnomAD exomes 0.00003.
gnomAD v4.1: 50 of 1,602,278 alleles (0.0031%); highest among the groups gnomAD compares: South Asian, 0.016%; no homozygotes.

Submissions (3):

Labcorp Genetics (formerly Invitae), Labcorp
Classification: Uncertain significance for Aicardi-Goutieres syndrome 7; Singleton-Merten syndrome 1. Last evaluated: 2024-06-13. Review status: criteria provided, single submitter. Criteria: Invitae Variant Classification Sherloc (09022015). Collection method: clinical testing. Allele origin: germline.
Comment: This sequence change replaces arginine, which is basic and polar, with cysteine, which is neutral and slightly polar, at codon 595 of the IFIH1 protein (p.Arg595Cys). This variant is present in population databases (rs191839015, gnomAD 0.007%). This variant has not been reported in the literature in individuals affected with IFIH1-related conditions. ClinVar contains an entry for this variant (Variation ID: 1516663). Advanced modeling of protein sequence and biophysical properties (such as structural, functional, and spatial information, amino acid conservation, physicochemical variation, residue mobility, and thermodynamic stability) has been performed at Invitae for this missense variant, however the output from this modeling did not meet the statistical confidence thresholds required to predict the impact of this variant on IFIH1 protein function. In summary, the available evidence is currently insufficient to determine the role of this variant in disease. Therefore, it has been classified as a Variant of Uncertain Significance.

Blueprint Genetics
Classification: Uncertain significance. Last evaluated: 2023-07-27. Review status: criteria provided, single submitter. Criteria: ACMG Guidelines, 2015. Collection method: clinical testing. Allele origin: germline.

Revvity Omics, Revvity
Classification: Uncertain significance. Last evaluated: 2021-05-18. Review status: criteria provided, single submitter. Criteria: ACMG Guidelines, 2015. Collection method: clinical testing. Allele origin: germline.

NM_022168.4(IFIH1):c.1783C>T (p.Arg595Cys)

Gene: IFIH1 (interferon induced with helicase C domain 1; minus strand). Cytogenetic location: 2q24.2.
Variant type: single nucleotide variant.
Coding change: c.1783C>T on transcript NM_022168.4 (MANE Select); coding-DNA position 1783, C replaced by T.
Protein change: p.Arg595Cys; replaces arginine 595 with cysteine.
Molecular consequence: missense variant.
Genome position (GRCh38, 1-based): chr2:162,277,676, G>A on the plus strand (C>T on the coding strand, the complement: IFIH1 is on the minus strand). VCF-style: chr2-162277676-G-A. GRCh37 (hg19) VCF-style: chr2-163134186-G-A.
Other names: short protein forms R595C.
Identifiers: ClinVar variation 1516663 (VCV001516663.11), dbSNP rs191839015, ClinGen allele CA1934392.
Genomic context (GRCh38, chr2:162,277,676, plus strand): 5'-CATTAATTTGTAGGGCCTCATTGTACTTCCTCAAATGTTCTGCACAAACACGTTCTTTGC[G>A]ATTTCCTTCTTTTGCAGCTGTGAAAAAATATATTATGTAAGTGAAATAATAAGCATATAA-3'
Protein context (NP_071451.2, residues 585-605): MEKKAAKEGN[Arg595Cys]KERVCAEHLR